The following is an entry in ClinVar:

ClinVar aggregate classification (germline): Pathogenic/Likely pathogenic. Review status: criteria provided, multiple submitters, no conflicts (2 of 4 stars). 2 submissions from 2 submitters: Pathogenic (1); Likely pathogenic (1). Last evaluated 2024-04-02.

Conditions:
Spondylo-ocular syndrome. Also called: Spondyloocular syndrome, autosomal recessive. Identifiers: Orphanet 85194, MedGen C4225412, MONDO:0011604, OMIM 605822.

Submissions (2):

Labcorp Genetics (formerly Invitae), Labcorp
Classification: Pathogenic. Last evaluated: 2024-04-02. Review status: criteria provided, single submitter. Criteria: Invitae Variant Classification Sherloc (09022015). Collection method: clinical testing. Allele origin: germline.
Comment: This sequence change creates a premature translational stop signal (p.Gly529Alafs*78) in the XYLT2 gene. It is expected to result in an absent or disrupted protein product. Loss-of-function variants in XYLT2 are known to be pathogenic (PMID: 26027496, 26987875). The frequency data for this variant in the population databases is considered unreliable, as metrics indicate poor data quality at this position in the gnomAD database. This variant has not been reported in the literature in individuals affected with XYLT2-related conditions. ClinVar contains an entry for this variant (Variation ID: 2570659). For these reasons, this variant has been classified as Pathogenic.

HudsonAlpha Institute for Biotechnology
Classification: Likely pathogenic for Spondylo-ocular syndrome. Last evaluated: 2023-06-20. Review status: criteria provided, single submitter. Criteria: ACMG Guidelines, 2015. Collection method: research. Allele origin: biparental. Affected: yes. Observed: 1 variant allele. Study: CSER-HudsonAlpha.

Literature cited by the submitters: PubMed 26027496 (cited by Labcorp Genetics (formerly Invitae), Labcorp); PubMed 26987875 (cited by Labcorp Genetics (formerly Invitae), Labcorp).

NM_022167.4(XYLT2):c.1584del (p.Gly529fs)

Gene: XYLT2 (xylosyltransferase 2; plus strand). Cytogenetic location: 17q21.33.
Variant type: Deletion.
Coding change: c.1584del on transcript NM_022167.4 (MANE Select); coding-DNA position 1584, one base deleted (C; older notation c.1584delC).
Protein change: p.Gly529fs; shifts the reading frame from glycine 529.
Molecular consequence: frameshift variant.
Genome position (GRCh38, 1-based): chr17:50,356,612, C deleted; the last of 7 consecutive C bases (chr17:50,356,606-50,356,612); deleting any one gives the same sequence. VCF-style (leftmost placement, unchanged base first): chr17-50356605-AC-A. GRCh37 (hg19) VCF-style: chr17-48433966-AC-A.
Other names: short protein forms G529fs.
Identifiers: ClinVar variation 2570659 (VCV002570659.3), dbSNP rs779864368, ClinGen allele CA291579759.